The following is an entry in ClinVar:

NM_000038.6(APC):c.8272G>A (p.Glu2758Lys)

Gene: APC (APC regulator of Wnt signaling pathway; plus strand). Cytogenetic location: 5q22.2.
Variant type: single nucleotide variant.
Coding change: c.8272G>A on transcript NM_000038.6 (MANE Select); coding-DNA position 8272, G replaced by A.
Protein change: p.Glu2758Lys; replaces glutamic acid 2758 with lysine.
Molecular consequence: missense variant.
Genome position (GRCh38, 1-based): chr5:112,843,866, G>A. VCF-style: chr5-112843866-G-A. GRCh37 (hg19) VCF-style: chr5-112179563-G-A.
Other names: c.8272G>A, p.Glu2758Lys (NM_001127510.3, NM_001354895.2); c.8218G>A, p.Glu2740Lys (NM_001127511.3); c.8326G>A, p.Glu2776Lys (NM_001354896.2); c.8302G>A, p.Glu2768Lys (NM_001354897.2); c.8197G>A, p.Glu2733Lys (NM_001354898.2); c.8188G>A, p.Glu2730Lys (NM_001354899.2); c.8149G>A, p.Glu2717Lys (NM_001354900.2); c.8095G>A, p.Glu2699Lys (NM_001354901.2); and 5 more; short protein forms E2475K, E2632K, E2699K, E2740K, E2758K, E2776K, E2657K, E2733K.
Identifiers: ClinVar variation 1409244 (VCV001409244.9), dbSNP rs1312667645, ClinGen allele CA16039281.

ClinVar aggregate classification (germline): Uncertain significance. Review status: criteria provided, multiple submitters, no conflicts (2 of 4 stars). 2 submissions from 2 submitters: Uncertain significance (2). Last evaluated 2024-04-16.

Conditions:
Classic or attenuated familial adenomatous polyposis. Identifiers: MedGen CN372698, MONDO:0021057.
Familial adenomatous polyposis 1 (FAP1). Also called: FAMILIAL ADENOMATOUS POLYPOSIS 1, ATTENUATED; POLYPOSIS, ADENOMATOUS INTESTINAL. Identifiers: MedGen C2713442, MONDO:0021056, OMIM 175100. Disease mechanism: loss of function.

Allele frequency attached by ClinVar (database versions not stated): gnomAD 0.00001.
gnomAD v4.1: 1 of 1,613,876 alleles (0.000062%); highest among the groups gnomAD compares: Non-Finnish European, 0.000085%; no homozygotes.

Submissions (2):

All of Us Research Program, National Institutes of Health
Classification: Uncertain significance for Classic or attenuated familial adenomatous polyposis. Last evaluated: 2024-04-16. Review status: criteria provided, single submitter. Criteria: ACMG Guidelines, 2015. Collection method: clinical testing. Allele origin: germline. Inheritance: Autosomal dominant inheritance. Observed: 1 variant allele, 1 heterozygote.
Comment: This missense variant replaces glutamic acid with lysine at codon 2758 of the APC protein. Computational prediction suggests that this variant may not impact protein structure and function (internally defined REVEL score threshold <= 0.5, PMID: 27666373). To our knowledge, functional studies have not been reported for this variant. This variant has not been reported in individuals affected with APC-related disorders in the literature. This variant has been identified in 1/31406 chromosomes in the general population by the Genome Aggregation Database (gnomAD). The available evidence is insufficient to determine the role of this variant in disease conclusively. Therefore, this variant is classified as a Variant of Uncertain Significance.

This study involves interpretation of variants in research participants for the purpose of population health screening. Participant phenotype was not available at the time of variant classification. Additional details can be found in publication PMID: 35346344, PMCID: PMC8962531

Labcorp Genetics (formerly Invitae), Labcorp
Classification: Uncertain significance for Familial adenomatous polyposis 1. Last evaluated: 2023-07-16. Review status: criteria provided, single submitter. Criteria: Invitae Variant Classification Sherloc (09022015). Collection method: clinical testing. Allele origin: germline.
Comment: This variant is present in population databases (no rsID available, gnomAD 0.007%). This sequence change replaces glutamic acid, which is acidic and polar, with lysine, which is basic and polar, at codon 2758 of the APC protein (p.Glu2758Lys). This variant has not been reported in the literature in individuals affected with APC-related conditions. In summary, the available evidence is currently insufficient to determine the role of this variant in disease. Therefore, it has been classified as a Variant of Uncertain Significance. Advanced modeling of protein sequence and biophysical properties (such as structural, functional, and spatial information, amino acid conservation, physicochemical variation, residue mobility, and thermodynamic stability) performed at Invitae indicates that this missense variant is not expected to disrupt APC protein function. ClinVar contains an entry for this variant (Variation ID: 1409244).